The following is an entry in ClinVar:

ClinVar aggregate classification (germline): Likely benign (0 of 4 stars; one submission).

Conditions:
RAI1-related disorder. Also called: RAI1-related condition.

Allele frequency attached by ClinVar (database versions not stated): ExAC 0.00010.
gnomAD v4.1: 34 of 1,614,074 alleles (0.0021%); highest among the groups gnomAD compares: South Asian, 0.035%; no homozygotes.

Submission:

PreventionGenetics, part of Exact Sciences
Classification: Likely benign for RAI1-related condition. Last evaluated: 2021-12-07. Review status: no assertion criteria provided. Collection method: clinical testing. Allele origin: germline.
Comment: This variant is classified as likely benign based on ACMG/AMP sequence variant interpretation guidelines (Richards et al. 2015 PMID: 25741868, with internal and published modifications).

NM_030665.4(RAI1):c.120C>T (p.Cys40=)

Gene: RAI1 (retinoic acid induced 1; plus strand). Cytogenetic location: 17p11.2.
Variant type: single nucleotide variant.
Coding change: c.120C>T on transcript NM_030665.4 (MANE Select); coding-DNA position 120, C replaced by T.
Protein change: p.Cys40=; no amino-acid change (cysteine 40 retained).
Molecular consequence: synonymous variant.
Genome position (GRCh38, 1-based): chr17:17,793,068, C>T. VCF-style: chr17-17793068-C-T. GRCh37 (hg19) VCF-style: chr17-17696382-C-T.
Identifiers: ClinVar variation 3045911 (VCV003045911.2), dbSNP rs777826104, ClinGen allele CA8418047.